The following is an entry in ClinVar:

NM_016233.2(PADI3):c.511G>A (p.Val171Met)

Gene: PADI3 (peptidyl arginine deiminase 3; plus strand). Cytogenetic location: 1p36.13.
Variant type: single nucleotide variant.
Coding change: c.511G>A on transcript NM_016233.2 (MANE Select); coding-DNA position 511, G replaced by A.
Protein change: p.Val171Met; replaces valine 171 with methionine.
Molecular consequence: missense variant.
Genome position (GRCh38, 1-based): chr1:17,266,821, G>A. VCF-style: chr1-17266821-G-A. GRCh37 (hg19) VCF-style: chr1-17593316-G-A.
Other names: short protein forms V171M.
Identifiers: ClinVar variation 3060283 (VCV003060283.2), dbSNP rs2272629, ClinGen allele CA639729.

ClinVar aggregate classification (germline): Benign (0 of 4 stars; one submission).

Conditions:
PADI3-related disorder. Also called: PADI3-related condition.

Allele frequency attached by ClinVar (database versions not stated): ESP Exome Variant Server 0.06420; TOPMed 0.07210; gnomAD 0.07612; gnomAD exomes 0.08769; ExAC 0.10094; 1000 Genomes Project 30x 0.11462; 1000 Genomes Project 0.11981.

Submission:

PreventionGenetics, part of Exact Sciences
Classification: Benign for PADI3-related condition. Last evaluated: 2019-03-15. Review status: no assertion criteria provided. Collection method: clinical testing. Allele origin: germline.
Comment: This variant is classified as benign based on ACMG/AMP sequence variant interpretation guidelines (Richards et al. 2015 PMID: 25741868, with internal and published modifications).